The following is an entry in ClinVar:

NM_033004.4(NLRP1):c.1103G>C (p.Ser368Thr)

Gene: NLRP1 (NLR family pyrin domain containing 1; minus strand). Cytogenetic location: 17p13.2.
Variant type: single nucleotide variant.
Coding change: c.1103G>C on transcript NM_033004.4 (MANE Select); coding-DNA position 1103, G replaced by C.
Protein change: p.Ser368Thr; replaces serine 368 with threonine.
Molecular consequence: missense variant.
Genome position (GRCh38, 1-based): chr17:5,559,593, C>G on the plus strand (G>C on the coding strand, the complement: NLRP1 is on the minus strand). VCF-style: chr17-5559593-C-G. GRCh37 (hg19) VCF-style: chr17-5462913-C-G.
Other names: p.Ser368Thr; c.1103G>C, p.Ser368Thr (NM_001033053.3, NM_014922.5, NM_033006.4 and 1 more transcripts); short protein forms S368T.
Identifiers: ClinVar variation 710477 (VCV000710477.54), dbSNP rs145383615, ClinGen allele CA8327431.
Genomic context (GRCh38, chr17:5,559,593, plus strand): 5'-CCATCTTTTCCGATGAGCTCAGCGAGACTCACCACCTTGGACTGGGCCAGCTCTCTGCAG[C>G]TGAAGTAGAAGACATGCTGGAAGCGGTCCCCATACAGCTGGCCTCTCCCCCAGGCTTCCT-3'
Protein context (NP_127497.1, residues 358-378): GDRFQHVFYF[Ser368Thr]CRELAQSKVV

ClinVar aggregate classification (germline): Benign/Likely benign. Review status: criteria provided, multiple submitters, no conflicts (2 of 4 stars). 4 submissions from 4 submitters: Benign (1); Likely benign (3). Last evaluated 2026-02-04.

Allele frequency attached by ClinVar (database versions not stated): gnomAD 0.00083 and 0.00084; gnomAD exomes 0.00083 and 0.00117; ExAC 0.00105; ESP Exome Variant Server 0.00131; 1000 Genomes Project 30x 0.00094; TOPMed 0.00098; 1000 Genomes Project 0.00100.
gnomAD v4.1: 1,376 of 1,614,226 alleles (0.085%); highest among the groups gnomAD compares: Middle Eastern, 0.12%; 7 homozygotes.

Submissions (6):

Labcorp Genetics (formerly Invitae), Labcorp
Classification: Benign. Last evaluated: 2026-02-04. Review status: criteria provided, single submitter. Criteria: Invitae Variant Classification Sherloc (09022015). Collection method: clinical testing. Allele origin: germline.

CeGaT Center for Human Genetics Tuebingen
Classification: Likely benign. Last evaluated: 2026-02-01. Review status: criteria provided, single submitter. Criteria: CeGaT Center For Human Genetics Tuebingen Variant Classification Criteria Version 2. Collection method: clinical testing. Allele origin: germline. Affected: yes. Observed: 3 variant alleles.
Comment: NLRP1: BP4, BS1

Mayo Clinic Laboratories, Mayo Clinic
Classification: Likely benign. Last evaluated: 2025-09-01. Review status: criteria provided, single submitter. Criteria: ACMG Guidelines, 2015. Collection method: clinical testing. Allele origin: germline. Observed: 1 variant allele.
Comment: BS1

Blueprint Genetics
Classification: Likely benign. Last evaluated: 2024-11-01. Review status: criteria provided, single submitter. Criteria: ACMG Guidelines, 2015. Collection method: clinical testing. Allele origin: germline.

Dr. Peter K. Rogan Lab, Western University
No classification provided (evidence only). Condition: Thyroid cancer, nonmedullary, 1. Review status: no classification provided. Collection method: in vitro. Allele origin: not applicable. Functional consequence: skipped exon, retained intron. Not counted in ClinVar's aggregate classification.

Dr. Peter K. Rogan Lab, Western University
No classification provided (evidence only). Condition: Sarcoma. Review status: no classification provided. Collection method: in vitro. Allele origin: not applicable. Functional consequence: skipped exon. Not counted in ClinVar's aggregate classification.